The following is an entry in ClinVar:

ClinVar aggregate classification (germline): Uncertain significance. Review status: criteria provided, multiple submitters, no conflicts (2 of 4 stars). 2 submissions from 2 submitters: Uncertain significance (2). Last evaluated 2025-10-31.

Conditions:
Ataxia-telangiectasia syndrome (AT). Also called: LOUIS-BAR SYNDROME; Cerebello-oculocutaneous telangiectasia; Immunodeficiency with ataxia telangiectasia; Ataxia telangiectasia (A-T); Ataxia-telangiectasia, complementation group D; AT, COMPLEMENTATION GROUP C. Identifiers: Orphanet 100, MedGen C0004135, MONDO:0008840, OMIM 208900.
Hereditary cancer-predisposing syndrome. Also called: Tumor predisposition; Neoplastic Syndromes, Hereditary; Hereditary Cancer Syndrome; Hereditary neoplastic syndrome. Identifiers: Orphanet 140162, MedGen C0027672, MeSH D009386, MONDO:0015356.

Submissions (2):

Ambry Genetics
Classification: Uncertain significance for Hereditary cancer-predisposing syndrome. Last evaluated: 2025-10-31. Review status: criteria provided, single submitter. Criteria: Ambry Variant Classification Scheme 2023. Collection method: clinical testing. Allele origin: germline.
Comment: The p.A2368S variant (also known as c.7102G>T), located in coding exon 48 of the ATM gene, results from a G to T substitution at nucleotide position 7102. The alanine at codon 2368 is replaced by serine, an amino acid with similar properties. In an assay testing ATM function, this variant showed a functionally normal result (Lee KS et al. Cell, 2025 Sep;188:5081-5099.e27). This amino acid position is not well conserved in available vertebrate species. In addition, this alteration is predicted to be tolerated by in silico analysis. Based on the available evidence, the clinical significance of this variant remains unclear.

Labcorp Genetics (formerly Invitae), Labcorp
Classification: Uncertain significance for Ataxia-telangiectasia syndrome. Last evaluated: 2024-05-05. Review status: criteria provided, single submitter. Criteria: Invitae Variant Classification Sherloc (09022015). Collection method: clinical testing. Allele origin: germline.
Comment: This sequence change replaces alanine, which is neutral and non-polar, with serine, which is neutral and polar, at codon 2368 of the ATM protein (p.Ala2368Ser). This variant is not present in population databases (gnomAD no frequency). This variant has not been reported in the literature in individuals affected with ATM-related conditions. An algorithm developed to predict the effect of missense changes on protein structure and function (PolyPhen-2) suggests that this variant is likely to be tolerated. In summary, the available evidence is currently insufficient to determine the role of this variant in disease. Therefore, it has been classified as a Variant of Uncertain Significance.

Literature cited by the submitters: PubMed 40580951 (cited by Ambry Genetics).

NM_000051.4(ATM):c.7102G>T (p.Ala2368Ser)

Genes: ATM (ATM serine/threonine kinase; plus strand), C11orf65 (chromosome 11 open reading frame 65; minus strand). Cytogenetic location: 11q22.3.
Variant type: single nucleotide variant.
Coding change: c.7102G>T on transcript NM_000051.4 (MANE Select); coding-DNA position 7102, G replaced by T.
Protein change: p.Ala2368Ser; replaces alanine 2368 with serine.
Molecular consequence: missense variant. On other transcripts: intron variant (2).
Genome position (GRCh38, 1-based): chr11:108,329,033, G>T. VCF-style: chr11-108329033-G-T. GRCh37 (hg19) VCF-style: chr11-108199760-G-T.
Other names: c.7102G>T, p.Ala2368Ser (NM_001351834.2); c.641-19962C>A (NM_001330368.2); c.*38+6187C>A (NM_001351110.2); short protein forms A2368S.
Identifiers: ClinVar variation 2699379 (VCV002699379.3), dbSNP rs2136410562, ClinGen allele CA382559401.